The following is an entry in ClinVar:

NM_000051.4(ATM):c.1388C>A (p.Ala463Glu)

Gene: ATM (ATM serine/threonine kinase; plus strand). Cytogenetic location: 11q22.3.
Variant type: single nucleotide variant.
Coding change: c.1388C>A on transcript NM_000051.4 (MANE Select); coding-DNA position 1388, C replaced by A.
Protein change: p.Ala463Glu; replaces alanine 463 with glutamic acid.
Molecular consequence: missense variant.
Genome position (GRCh38, 1-based): chr11:108,250,853, C>A. VCF-style: chr11-108250853-C-A. GRCh37 (hg19) VCF-style: chr11-108121580-C-A.
Other names: c.1388C>A, p.Ala463Glu (NM_001351834.2); short protein forms A463E.
Identifiers: ClinVar variation 2506990 (VCV002506990.1), dbSNP rs1468739528, ClinGen allele CA382533888.

ClinVar aggregate classification (germline): Uncertain significance (1 of 4 stars; one submission).

Conditions:
Familial cancer of breast. Also called: hereditary breast carcinoma; Hereditary breast cancer; BREAST CANCER, FAMILIAL. Identifiers: Orphanet 227535, MedGen C0346153, MONDO:0016419, OMIM 114480. Disease mechanism: loss of function.

Submission:

KCCC/NGS Laboratory, Kuwait Cancer Control Center
Classification: Uncertain significance for Familial cancer of breast. Last evaluated: 2023-06-06. Review status: criteria provided, single submitter. Criteria: ACMG Guidelines, 2015. Collection method: clinical testing. Allele origin: germline. Affected: yes.
Comment: A variant on unknown significance was detected in the ATM gene (c.1388C>A). This sequence change replaces alanine with glutamate at codon 463 (p.A463E). The alanine residue is highly conserved. This variant is not present in population databases (ExAC no frequency). This variant is not present in gnomAD genomes. This variant has not been reported in the literature in individuals with ATM-related disease. In-silico predictions show pathogenic computational verdict based on 11 pathogenic predictions from PolyPhen-2, BayesDel_addAF, DANN, EIGEN, FATHMM-MKL, LIST-S2, M-CAP, MVP, MutationAssessor, MutationTaster and SIFT vs 2 benign predictions from DEOGEN2 and PrimateAI. Therefore, it has been classified as a Variant of Uncertain Significance. Heterozygous pathogenic/likely pathogenic mutations in the ATM gene cause susceptibility to breast cancer (OMIM# 114480).